The following is an entry in ClinVar:

ClinVar aggregate classification (germline): Uncertain significance (1 of 4 stars; one submission).

Conditions:
Odonto-onycho-dermal dysplasia. Identifiers: Orphanet 2721, MedGen C0796093, MONDO:0009773, OMIM 257980.
Tooth agenesis, selective, 4 (STHAG4). Also called: LATERAL INCISORS, ABSENCE OF; LATERAL INCISORS, PEGGED OR MISSING; SUCCEDANEOUS TEETH, AGENESIS OF; TOOTH AGENESIS, SELECTIVE, 4, WITH OR WITHOUT ECTODERMAL DYSPLASIA. Identifiers: Orphanet 99798, MedGen C1835492, MONDO:0007881, OMIM 150400. Disease mechanism: loss of function.

Submission:

Labcorp Genetics (formerly Invitae), Labcorp
Classification: Uncertain significance for Tooth agenesis, selective, 4; Odonto-onycho-dermal dysplasia. Last evaluated: 2025-11-05. Review status: criteria provided, single submitter. Criteria: Invitae Variant Classification Sherloc (09022015). Collection method: clinical testing. Allele origin: germline.
Comment: This sequence change replaces arginine, which is basic and polar, with glutamine, which is neutral and polar, at codon 163 of the WNT10A protein (p.Arg163Gln). This variant is present in population databases (rs201178499, gnomAD 0.003%). This variant has not been reported in the literature in individuals affected with WNT10A-related conditions. Invitae Evidence Modeling of protein sequence and biophysical properties (such as structural, functional, and spatial information, amino acid conservation, physicochemical variation, residue mobility, and thermodynamic stability) indicates that this missense variant is not expected to disrupt WNT10A protein function with a negative predictive value of 80%. In summary, the available evidence is currently insufficient to determine the role of this variant in disease. Therefore, it has been classified as a Variant of Uncertain Significance.

NM_025216.3(WNT10A):c.488G>A (p.Arg163Gln)

Gene: WNT10A (Wnt family member 10A; plus strand). Cytogenetic location: 2q35.
Variant type: single nucleotide variant.
Coding change: c.488G>A on transcript NM_025216.3 (MANE Select); coding-DNA position 488, G replaced by A.
Protein change: p.Arg163Gln; replaces arginine 163 with glutamine.
Molecular consequence: missense variant.
Genome position (GRCh38, 1-based): chr2:218,890,095, G>A. VCF-style: chr2-218890095-G-A. GRCh37 (hg19) VCF-style: chr2-219754817-G-A.
Other names: short protein forms R163Q.
Identifiers: ClinVar variation 4791655 (VCV004791655.1).
Genomic context (GRCh38, chr2:218,890,095, plus strand): 5'-ACGCCGTGTCCAATGCGTGTGCCCTGGGCAAACTGAAGGCCTGTGGCTGTGATGCGTCCC[G>A]GCGAGGGGACGAGGAGGCCTTCCGTAGGAAGCTGCACCGCTTACAACTGGATGCACTGCA-3'
Protein context (NP_079492.2, residues 153-173): KLKACGCDAS[Arg163Gln]RGDEEAFRRK